The following is an entry in ClinVar:

ClinVar aggregate classification (germline): Conflicting classifications of pathogenicity. Review status: criteria provided, conflicting classifications (1 of 4 stars). 3 submissions from 3 submitters: Uncertain significance (2); Benign (1). Last evaluated 2025-12-18.

Conditions:
Inborn genetic diseases. Identifiers: MedGen C0950123, MeSH D030342.
Neuropathy, hereditary sensory, type 2C. Also called: KIF1A-Related HSAN2 (HSAN2C); Hereditary sensory and autonomic neuropathy type IIC. Identifiers: Orphanet 970, MedGen C3280168, MONDO:0013634, OMIM 614213.
Intellectual disability, autosomal dominant 9 (NESCAVS). Also called: NESCAV SYNDROME; KIF1A-Related Neurodevelopmental Disorder. Identifiers: Orphanet 662367, MedGen C5393830, MONDO:0013656, OMIM 614255.
Hereditary spastic paraplegia 30. Identifiers: Orphanet 101010, MedGen C5235139, MONDO:0012476.

Allele frequency attached by ClinVar (database versions not stated): gnomAD exomes 0.00001 and 0.00002; ExAC 0.00004; gnomAD 0.00014; TOPMed 0.00014; ESP Exome Variant Server 0.00016; 1000 Genomes Project 30x 0.00031; 1000 Genomes Project 0.00040.

Submissions (3):

Labcorp Genetics (formerly Invitae), Labcorp
Classification: Benign for Hereditary spastic paraplegia 30; Neuropathy, hereditary sensory, type 2C; Intellectual disability, autosomal dominant 9. Last evaluated: 2025-12-18. Review status: criteria provided, single submitter. Criteria: Invitae Variant Classification Sherloc (09022015). Collection method: clinical testing. Allele origin: germline.

Revvity Omics, Revvity
Classification: Uncertain significance. Last evaluated: 2019-06-28. Review status: criteria provided, single submitter. Criteria: ACMG Guidelines, 2015. Collection method: clinical testing. Allele origin: germline.

Ambry Genetics
Classification: Uncertain significance for Inborn genetic diseases. Last evaluated: 2017-03-23. Review status: criteria provided, single submitter. Criteria: Ambry Variant Classification Scheme 2023. Collection method: clinical testing. Allele origin: germline.
Comment: The p.M931L variant (also known as c.2791A>T), located in coding exon 27 of the KIF1A gene, results from an A to T substitution at nucleotide position 2791. The methionine at codon 931 is replaced by leucine, an amino acid with highly similar properties. This amino acid position is well conserved in available vertebrate species. In addition, this alteration is predicted to be tolerated by in silico analysis. Since supporting evidence is limited at this time, the clinical significance of this alteration remains unclear.

NM_001244008.2(KIF1A):c.3094A>T (p.Met1032Leu)

Gene: KIF1A (kinesin family member 1A; minus strand). Cytogenetic location: 2q37.3.
Variant type: single nucleotide variant.
Coding change: c.3094A>T on transcript NM_001244008.2 (MANE Select); coding-DNA position 3094, A replaced by T.
Protein change: p.Met1032Leu; replaces methionine 1032 with leucine.
Molecular consequence: missense variant.
Genome position (GRCh38, 1-based): chr2:240,746,147, T>A on the plus strand (A>T on the coding strand, the complement: KIF1A is on the minus strand). VCF-style: chr2-240746147-T-A. GRCh37 (hg19) VCF-style: chr2-241685564-T-A.
Other names: c.2818A>T, p.Met940Leu (NM_001320705.2, NM_001330289.2, NM_001379638.1); c.2893A>T, p.Met965Leu (NM_001330290.2, NM_001379634.1, NM_001379635.1 and 1 more transcripts); c.3169A>T, p.Met1057Leu (NM_001379631.1); c.3043A>T, p.Met1015Leu (NM_001379632.1); c.3067A>T, p.Met1023Leu (NM_001379633.1, NM_001379642.1, NM_001379645.1); c.2791A>T, p.Met931Leu (NM_001379636.1, NM_001379639.1, NM_001379640.1 and 6 more transcripts); c.2866A>T, p.Met956Leu (NM_001379637.1, NM_001379648.1); short protein forms M931L, M1032L, M965L, M940L, M1015L, M1023L, M1057L, M956L.
Identifiers: ClinVar variation 532874 (VCV000532874.17), dbSNP rs370378060, ClinGen allele CA2207904.
Genomic context (GRCh38, chr2:240,746,147, plus strand): 5'-CACCCTGGCCCTGGCCCTCCACGATGCGAAGCTCTTCCTGGGAGGTTCCCGAGCGGGACA[T>A]CCCCACCACGGGGCAAGACTCGGACTGGAACTGATCAGAGGGGGACCAGAGTCAGAGAGA-3'
Protein context (NP_001230937.1, residues 1022-1042): FQSESCPVVG[Met1032Leu]SRSGTSQEEL